The following is an entry in ClinVar:

NM_003489.4(NRIP1):c.3158A>C (p.Glu1053Ala)

Gene: NRIP1 (nuclear receptor interacting protein 1; minus strand). Cytogenetic location: 21q11.2.
Variant type: single nucleotide variant.
Coding change: c.3158A>C on transcript NM_003489.4 (MANE Select); coding-DNA position 3158, A replaced by C.
Protein change: p.Glu1053Ala; replaces glutamic acid 1053 with alanine.
Molecular consequence: missense variant.
Genome position (GRCh38, 1-based): chr21:14,965,035, T>G on the plus strand (A>C on the coding strand, the complement: NRIP1 is on the minus strand). VCF-style: chr21-14965035-T-G. GRCh37 (hg19) VCF-style: chr21-16337356-T-G.
Other names: c.3158A>C (NM_003489.3); short protein forms E1053A.
Identifiers: ClinVar variation 3011270 (VCV003011270.4), dbSNP rs761188270, ClinGen allele CA9981019.
Genomic context (GRCh38, chr21:14,965,035, plus strand): 5'-TGAAGCATGTAATATAGTATTGGGTTGGTTTTGGTCAATCTTGGAGAGTCTTTTTCATAC[T>G]CATTCTTCTCCGCATCAGTGATAACCCACTTAATGGGTCCTTTCTCACTGGGCATGGAAC-3'
Protein context (NP_003480.2, residues 1043-1063): KWVITDAEKN[Glu1053Ala]YEKDSPRLTK

ClinVar aggregate classification (germline): Uncertain significance. Review status: criteria provided, multiple submitters, no conflicts (2 of 4 stars). 2 submissions from 2 submitters: Uncertain significance (2). Last evaluated 2024-07-05.

Conditions:
Inborn genetic diseases. Identifiers: MedGen C0950123, MeSH D030342.

Allele frequency attached by ClinVar (database versions not stated): gnomAD exomes below 0.00001; TOPMed 0.00001; ExAC 0.00002.
gnomAD v4.1: 6 of 1,613,972 alleles (0.00037%); highest among the groups gnomAD compares: East Asian, 0.013%; no homozygotes.

Submissions (2):

Ambry Genetics
Classification: Uncertain significance for Inborn genetic diseases. Last evaluated: 2024-07-05. Review status: criteria provided, single submitter. Criteria: Ambry Variant Classification Scheme 2023. Collection method: clinical testing. Allele origin: germline.

Labcorp Genetics (formerly Invitae), Labcorp
Classification: Uncertain significance. Last evaluated: 2024-01-15. Review status: criteria provided, single submitter. Criteria: Invitae Variant Classification Sherloc (09022015). Collection method: clinical testing. Allele origin: germline.
Comment: This sequence change replaces glutamic acid, which is acidic and polar, with alanine, which is neutral and non-polar, at codon 1053 of the NRIP1 protein (p.Glu1053Ala). This variant is present in population databases (rs761188270, gnomAD 0.02%). This variant has not been reported in the literature in individuals affected with NRIP1-related conditions. An algorithm developed to predict the effect of missense changes on protein structure and function (PolyPhen-2) suggests that this variant is likely to be tolerated. In summary, the available evidence is currently insufficient to determine the role of this variant in disease. Therefore, it has been classified as a Variant of Uncertain Significance.